The following is an entry in ClinVar:

ClinVar aggregate classification (germline): Pathogenic (1 of 4 stars; one submission).

Conditions:
Juvenile myelomonocytic leukemia (JMML). Also called: LEUKEMIA, JUVENILE MYELOMONOCYTIC, SOMATIC. Identifiers: Orphanet 86834, MedGen C0349639, MONDO:0011908, OMIM 607785, HP:0012209.
Neurofibromatosis-Noonan syndrome (NFNS). Also called: NEUROFIBROMATOSIS WITH NOONAN PHENOTYPE. Identifiers: Orphanet 638, MedGen C2931482, MONDO:0011035, OMIM 601321. Disease mechanism: loss of function.
Café-au-lait macules with pulmonary stenosis (WTSN). Also called: PULMONIC STENOSIS WITH CAFE-AU-LAIT SPOTS. Identifiers: MedGen C0553586, MONDO:0008672, OMIM 193520.
Neurofibromatosis, type 1 (NF1). Also called: Peripheral type neurofibromatosis; VON RECKLINGHAUSEN DISEASE; Neurofibromatosis, type I; NEUROFIBROMATOSIS, TYPE I, SOMATIC. Identifiers: Orphanet 636, MedGen C0027831, MONDO:0018975, OMIM 162200. Disease mechanism: loss of function.
Neurofibromatosis, familial spinal (FSNF). Identifiers: Orphanet 636, MedGen C1834235, MONDO:0008078, OMIM 162210. Disease mechanism: loss of function.

Submission:

Juno Genomics, Hangzhou Juno Genomics, Inc
Classification: Pathogenic for Café-au-lait macules with pulmonary stenosis; Neurofibromatosis, type 1; Juvenile myelomonocytic leukemia; Neurofibromatosis, familial spinal; Neurofibromatosis-Noonan syndrome. Review status: criteria provided, single submitter. Criteria: ACMG Guidelines, 2015. Collection method: clinical testing. Allele origin: germline.
Comment: Null variant in a gene where loss of function (LOF) is a known mechanism of disease.;Absent from controls (or at extremely low frequency if recessive) in Genome Aggregation Database.;De novo (both maternity and paternity confirmed) in a patient with the disease and no family history.

NM_001042492.3(NF1):c.3501del (p.Gly1168fs)

Gene: NF1 (neurofibromin 1; plus strand). Cytogenetic location: 17q11.2.
Variant type: Deletion.
Coding change: c.3501del on transcript NM_001042492.3 (MANE Select); coding-DNA position 3501, one base deleted (A; older notation c.3501delA).
Protein change: p.Gly1168fs; shifts the reading frame from glycine 1168.
Molecular consequence: frameshift variant.
Genome position (GRCh38, 1-based): chr17:31,233,006, A deleted. VCF-style (leftmost placement, unchanged base first): chr17-31233005-TA-T. GRCh37 (hg19) VCF-style: chr17-29560023-TA-T.
Other names: c.3501del, p.Gly1168fs (NM_000267.4); short protein forms G1168fs.
Identifiers: ClinVar variation 5005734 (VCV005005734.2).